The following is an entry in ClinVar:

NM_000540.3(RYR1):c.12462G>A (p.Pro4154=)

Gene: RYR1 (ryanodine receptor 1; plus strand). Cytogenetic location: 19q13.2.
Variant type: single nucleotide variant.
Coding change: c.12462G>A on transcript NM_000540.3 (MANE Select); coding-DNA position 12462, G replaced by A.
Protein change: p.Pro4154=; no amino-acid change (proline 4154 retained).
Molecular consequence: synonymous variant.
Genome position (GRCh38, 1-based): chr19:38,561,292, G>A. VCF-style: chr19-38561292-G-A. GRCh37 (hg19) VCF-style: chr19-39051932-G-A.
Other names: c.12447G>A, p.Pro4149= (NM_001042723.2).
Identifiers: ClinVar variation 1107238 (VCV001107238.13), dbSNP rs752478710, ClinGen allele CA058936.

ClinVar aggregate classification (germline): Likely benign. Review status: criteria provided, multiple submitters, no conflicts (2 of 4 stars). 3 submissions from 3 submitters: Likely benign (3). Last evaluated 2026-02-01.

Conditions:
Malignant hyperthermia, susceptibility to, 1 (MHS1). Also called: RYR1-Related Malignant Hyperthermia Susceptibility; Anesthesia related hyperthermia; Malignant hyperpyrexia; Fulminating hyperpyrexia; Pharmacogenic myopathy; Malignant hyperthermia suceptibility 1. Identifiers: Orphanet 423, MedGen C2930980, MONDO:0007783, OMIM 145600.
RYR1-related disorder. Also called: RYR1-related condition; RYR1-related disorders. Identifiers: MedGen CN239331.

gnomAD v4.1: 9 of 1,613,948 alleles (0.00056%); highest among the groups gnomAD compares: Admixed American, 0.0033%; no homozygotes.

Submissions (3):

CeGaT Center for Human Genetics Tuebingen
Classification: Likely benign. Last evaluated: 2026-02-01. Review status: criteria provided, single submitter. Criteria: CeGaT Center For Human Genetics Tuebingen Variant Classification Criteria Version 2. Collection method: clinical testing. Allele origin: germline. Affected: yes. Observed: 1 variant allele.
Comment: RYR1: BP4, BP7

Color Diagnostics, LLC DBA Color Health
Classification: Likely benign for Malignant hyperthermia, susceptibility to, 1. Last evaluated: 2025-07-25. Review status: criteria provided, single submitter. Criteria: ACMG Guidelines, 2015. Collection method: clinical testing. Allele origin: germline.

Labcorp Genetics (formerly Invitae), Labcorp
Classification: Likely benign for RYR1-related disorder. Last evaluated: 2023-12-20. Review status: criteria provided, single submitter. Criteria: Invitae Variant Classification Sherloc (09022015). Collection method: clinical testing. Allele origin: germline.